The following is an entry in ClinVar:

NM_004517.4(ILK):c.818C>A (p.Pro273Gln)

Genes: ILK (integrin linked kinase; plus strand), TAF10 (TATA-box binding protein associated factor 10; minus strand). Cytogenetic location: 11p15.4.
Variant type: single nucleotide variant.
Coding change: c.818C>A on transcript NM_004517.4 (MANE Select); coding-DNA position 818, C replaced by A.
Protein change: p.Pro273Gln; replaces proline 273 with glutamine.
Molecular consequence: missense variant. On other transcripts: 3 prime UTR variant (1).
Genome position (GRCh38, 1-based): chr11:6,609,601, C>A. VCF-style: chr11-6609601-C-A. GRCh37 (hg19) VCF-style: chr11-6630832-C-A.
Other names: c.818C>A, p.Pro273Gln (NM_001014794.3, NM_001014795.3); c.635C>A, p.Pro212Gln (NM_001278441.2); c.416C>A, p.Pro139Gln (NM_001278442.2); c.*1321G>T (NM_006284.4); short protein forms P212Q, P273Q, P139Q.
Identifiers: ClinVar variation 1762342 (VCV001762342.5), dbSNP rs774113906, ClinGen allele CA5858191.

ClinVar aggregate classification (germline): Uncertain significance. Review status: criteria provided, multiple submitters, no conflicts (2 of 4 stars). 2 submissions from 2 submitters: Uncertain significance (2). Last evaluated 2025-06-28.

Conditions:
Primary familial hypertrophic cardiomyopathy (HCM). Identifiers: Orphanet 99739, MedGen C0949658, MeSH D024741, MONDO:0024573. Inheritance: Various modes of inheritance.

gnomAD v4.1: 13 of 1,613,930 alleles (0.00081%); highest among the groups gnomAD compares: African/African-American, 0.016%; no homozygotes.

Submissions (2):

Ambry Genetics
Classification: Uncertain significance. Last evaluated: 2025-06-28. Review status: criteria provided, single submitter. Criteria: Ambry Variant Classification Scheme 2023. Collection method: clinical testing. Allele origin: germline.
Comment: The p.P273Q variant (also known as c.818C>A), located in coding exon 8 of the ILK gene, results from a C to A substitution at nucleotide position 818. The proline at codon 273 is replaced by glutamine, an amino acid with similar properties. This amino acid position is conserved. In addition, this alteration is predicted to be deleterious by in silico analysis. Since supporting evidence is limited at this time, the clinical significance of this alteration remains unclear.

Labcorp Genetics (formerly Invitae), Labcorp
Classification: Uncertain significance for Primary familial hypertrophic cardiomyopathy. Last evaluated: 2024-10-28. Review status: criteria provided, single submitter. Criteria: Invitae Variant Classification Sherloc (09022015). Collection method: clinical testing. Allele origin: germline.
Comment: This sequence change replaces proline, which is neutral and non-polar, with glutamine, which is neutral and polar, at codon 273 of the ILK protein (p.Pro273Gln). This variant is present in population databases (rs774113906, gnomAD 0.01%). This variant has not been reported in the literature in individuals affected with ILK-related conditions. ClinVar contains an entry for this variant (Variation ID: 1762342). An algorithm developed to predict the effect of missense changes on protein structure and function (PolyPhen-2) suggests that this variant is likely to be tolerated. In summary, the available evidence is currently insufficient to determine the role of this variant in disease. Therefore, it has been classified as a Variant of Uncertain Significance.